The following is an entry in ClinVar:

NM_020197.3(SMYD2):c.1009G>A (p.Val337Met)

Gene: SMYD2 (SET and MYND domain containing 2; plus strand). Cytogenetic location: 1q32.3.
Variant type: single nucleotide variant.
Coding change: c.1009G>A on transcript NM_020197.3 (MANE Select); coding-DNA position 1009, G replaced by A.
Protein change: p.Val337Met; replaces valine 337 with methionine.
Molecular consequence: missense variant.
Genome position (GRCh38, 1-based): chr1:214,332,089, G>A. VCF-style: chr1-214332089-G-A. GRCh37 (hg19) VCF-style: chr1-214505432-G-A.
Other names: short protein forms V337M.
Identifiers: ClinVar variation 4864900 (VCV004864900.1).

ClinVar aggregate classification (germline): Uncertain significance (1 of 4 stars; one submission).

gnomAD v4.1: 5 of 1,614,024 alleles (0.00031%); highest among the groups gnomAD compares: South Asian, 0.0011%; no homozygotes.

Submission:

Ambry Genetics
Classification: Uncertain significance. Last evaluated: 2026-06-04. Review status: criteria provided, single submitter. Criteria: Ambry Variant Classification Scheme 2023. Collection method: clinical testing. Allele origin: germline.
Comment: The c.1009G>A (p.V337M) alteration is located in exon 10 (coding exon 10) of the SMYD2 gene. This alteration results from a G to A substitution at nucleotide position 1009, causing the valine (V) at amino acid position 337 to be replaced by a methionine (M). Based on data from gnomAD, the A allele has an overall frequency of <0.001% (1/251424) total alleles studied. The highest observed frequency was 0.001% (1/113722) of European (non-Finnish) alleles. Based on insufficient or conflicting evidence, the clinical significance of this alteration remains unclear.